The following is an entry in ClinVar:

NM_004281.4(BAG3):c.1258C>G (p.Pro420Ala)

Gene: BAG3 (BAG cochaperone 3; plus strand). Cytogenetic location: 10q26.11.
Variant type: single nucleotide variant.
Coding change: c.1258C>G on transcript NM_004281.4 (MANE Select); coding-DNA position 1258, C replaced by G.
Protein change: p.Pro420Ala; replaces proline 420 with alanine.
Molecular consequence: missense variant.
Genome position (GRCh38, 1-based): chr10:119,676,812, C>G. VCF-style: chr10-119676812-C-G. GRCh37 (hg19) VCF-style: chr10-121436324-C-G.
Other names: short protein forms P420A.
Identifiers: ClinVar variation 2935374 (VCV002935374.3), dbSNP rs1253499464, ClinGen allele CA378296934.

ClinVar aggregate classification (germline): Uncertain significance (1 of 4 stars; one submission).

Conditions:
Myofibrillar myopathy 6. Identifiers: Orphanet 199340, MedGen C2751831, MONDO:0013061, OMIM 612954.
Dilated cardiomyopathy 1HH (CMD1HH). Identifiers: Orphanet 154, MedGen C3151293, MONDO:0013479, OMIM 613881.

Allele frequency attached by ClinVar (database versions not stated): gnomAD exomes below 0.00001.
gnomAD v4.1: 1 of 1,614,168 alleles (0.000062%); highest among the groups gnomAD compares: Admixed American, 0.0017%; no homozygotes.

Submission:

Labcorp Genetics (formerly Invitae), Labcorp
Classification: Uncertain significance for Dilated cardiomyopathy 1HH; Myofibrillar myopathy 6. Last evaluated: 2022-12-31. Review status: criteria provided, single submitter. Criteria: Invitae Variant Classification Sherloc (09022015). Collection method: clinical testing. Allele origin: germline.
Comment: In summary, the available evidence is currently insufficient to determine the role of this variant in disease. Therefore, it has been classified as a Variant of Uncertain Significance. Advanced modeling of protein sequence and biophysical properties (such as structural, functional, and spatial information, amino acid conservation, physicochemical variation, residue mobility, and thermodynamic stability) performed at Invitae indicates that this missense variant is expected to disrupt BAG3 protein function. This variant has not been reported in the literature in individuals affected with BAG3-related conditions. This variant is present in population databases (no rsID available, gnomAD 0.003%). This sequence change replaces proline, which is neutral and non-polar, with alanine, which is neutral and non-polar, at codon 420 of the BAG3 protein (p.Pro420Ala).